The following is an entry in ClinVar:

ClinVar aggregate classification (germline): Likely pathogenic. Review status: criteria provided, multiple submitters, no conflicts (2 of 4 stars). 2 submissions from 2 submitters: Likely pathogenic (2). Last evaluated 2026-02-16.

Conditions:
TUBB3-related disorder. Also called: TUBB3-related condition; TUBB3-related disorders.
Complex cortical dysplasia with other brain malformations 1. Identifiers: Orphanet 300570, MedGen C3808397, MONDO:0013541, OMIM 614039.

Submissions (2):

PreventionGenetics, part of Exact Sciences
Classification: Likely pathogenic for TUBB3-related condition. Last evaluated: 2026-02-16. Review status: criteria provided, single submitter. Criteria: ACMG Guidelines, 2015. Collection method: clinical testing. Allele origin: germline.
Comment: The TUBB3 c.1138C>A variant is predicted to result in the amino acid substitution p.Arg380Ser. This variant was reported as a de novo occurrence in an individual with complex cortical dysplasia with other brain malformations (Sullivan et al. 2024. PubMed ID: 37853563). This variant has not been reported in a large population database (gnomAD), indicating this variant is rare. An alternate missense change at the same amino acid position (c.1138C>T; p.Arg380Cys) has been reported in individuals with congenital fibrosis of the extraocular muscles 3 (CFEOM3), complex cortical dysplasia with other brain malformations, developmental delay, developmental regression, and cerebellar dysplasia (see for example: Tischfield et al. 2010. PubMed ID: 20074521; Whitman et al. 1993. PubMed ID: 20301522; Srivastava et al. 2014. PubMed ID: 25131622; Romaniello et al. 2017. PubMed ID: 28677066). The p.Arg380Ser variant is interpreted as likely pathogenic.

Duke University Health System Sequencing Clinic, Duke University Health System
Classification: Likely pathogenic for Complex cortical dysplasia with other brain malformations 1. Last evaluated: 2023-04-20. Review status: criteria provided, single submitter. Criteria: ACMG Guidelines, 2015. Collection method: research. Allele origin: de novo. Affected: yes.

NM_006086.4(TUBB3):c.1138C>A (p.Arg380Ser)

Gene: TUBB3 (tubulin beta 3 class III; plus strand). Cytogenetic location: 16q24.3.
Variant type: single nucleotide variant.
Coding change: c.1138C>A on transcript NM_006086.4 (MANE Select); coding-DNA position 1138, C replaced by A.
Protein change: p.Arg380Ser; replaces arginine 380 with serine.
Molecular consequence: missense variant.
Genome position (GRCh38, 1-based): chr16:89,935,589, C>A. VCF-style: chr16-89935589-C-A. GRCh37 (hg19) VCF-style: chr16-90001997-C-A.
Other names: c.922C>A, p.Arg308Ser (NM_001197181.2); short protein forms R308S, R380S.
Identifiers: ClinVar variation 2499586 (VCV002499586.3), dbSNP rs864321717, ClinGen allele CA397476807.